The following is an entry in ClinVar:

NM_015335.5(MED13L):c.4235A>G (p.Tyr1412Cys)

Gene: MED13L (mediator complex subunit 13L; minus strand). Cytogenetic location: 12q24.21.
Variant type: single nucleotide variant.
Coding change: c.4235A>G on transcript NM_015335.5 (MANE Select); coding-DNA position 4235, A replaced by G.
Protein change: p.Tyr1412Cys; replaces tyrosine 1412 with cysteine.
Molecular consequence: missense variant.
Genome position (GRCh38, 1-based): chr12:115,986,369, T>C on the plus strand (A>G on the coding strand, the complement: MED13L is on the minus strand). VCF-style: chr12-115986369-T-C. GRCh37 (hg19) VCF-style: chr12-116424174-T-C.
Other names: short protein forms Y1412C.
Identifiers: ClinVar variation 1214537 (VCV001214537.3), dbSNP rs1190857852, ClinGen allele CA386884548.

ClinVar aggregate classification (germline): Uncertain significance (1 of 4 stars; one submission).

Allele frequency attached by ClinVar (database versions not stated): gnomAD exomes below 0.00001.
gnomAD v4.1: 5 of 1,613,980 alleles (0.00031%); highest among the groups gnomAD compares: Non-Finnish European, 0.00042%; no homozygotes.

Submission:

GeneDx
Classification: Uncertain significance. Last evaluated: 2021-03-10. Review status: criteria provided, single submitter. Criteria: GeneDx Variant Classification Process June 2021. Collection method: clinical testing. Allele origin: germline. Affected: yes.
Comment: Not observed in large population cohorts (Lek et al., 2016); In silico analysis, which includes protein predictors and evolutionary conservation, supports a deleterious effect; Has not been previously published as pathogenic or benign to our knowledge